The following is an entry in ClinVar:

NM_177438.3(DICER1):c.379C>G (p.Leu127Val)

Gene: DICER1 (dicer 1, ribonuclease III; minus strand). Cytogenetic location: 14q32.13.
Variant type: single nucleotide variant.
Coding change: c.379C>G on transcript NM_177438.3 (MANE Select); coding-DNA position 379, C replaced by G.
Protein change: p.Leu127Val; replaces leucine 127 with valine.
Molecular consequence: missense variant.
Genome position (GRCh38, 1-based): chr14:95,131,568, G>C on the plus strand (C>G on the coding strand, the complement: DICER1 is on the minus strand). VCF-style: chr14-95131568-G-C. GRCh37 (hg19) VCF-style: chr14-95597905-G-C.
Other names: c.379C>G, p.Leu127Val (NM_001195573.1, NM_001271282.3, NM_001291628.2 and 1 more transcripts); short protein forms L127V.
Identifiers: ClinVar variation 477164 (VCV000477164.18), dbSNP rs560739585, ClinGen allele CA7331681.

ClinVar aggregate classification (germline): Conflicting classifications of pathogenicity. Review status: criteria provided, conflicting classifications (1 of 4 stars). 3 submissions from 3 submitters: Uncertain significance (2); Likely benign (1). Last evaluated 2025-12-21.

Conditions:
DICER1-related tumor predisposition. Also called: DICER1-related pleuropulmonary blastoma cancer predisposition syndrome; DICER1 syndrome. Identifiers: Orphanet 284343, MedGen C3839822, MONDO:0100216.
Hereditary cancer-predisposing syndrome. Also called: Tumor predisposition; Neoplastic Syndromes, Hereditary; Hereditary Cancer Syndrome; Hereditary neoplastic syndrome. Identifiers: Orphanet 140162, MedGen C0027672, MeSH D009386, MONDO:0015356.

Allele frequency attached by ClinVar (database versions not stated): gnomAD 0.00001; TOPMed 0.00001; gnomAD exomes 0.00004 and 0.00006; ExAC 0.00007.
gnomAD v4.1: 51 of 1,613,130 alleles (0.0032%); highest among the groups gnomAD compares: Non-Finnish European, 0.0043%; no homozygotes.

Submissions (3):

Labcorp Genetics (formerly Invitae), Labcorp
Classification: Likely benign for DICER1-related tumor predisposition. Last evaluated: 2025-12-21. Review status: criteria provided, single submitter. Criteria: Invitae Variant Classification Sherloc (09022015). Collection method: clinical testing. Allele origin: germline.

Center for Genomic Medicine, Rigshospitalet, Copenhagen University Hospital
Classification: Uncertain significance. Last evaluated: 2025-03-04. Review status: criteria provided, single submitter. Criteria: ACMG Guidelines, 2015. Collection method: clinical testing. Allele origin: germline.

Ambry Genetics
Classification: Uncertain significance for Hereditary cancer-predisposing syndrome. Last evaluated: 2024-11-22. Review status: criteria provided, single submitter. Criteria: Ambry Variant Classification Scheme 2023. Collection method: clinical testing. Allele origin: germline.
Comment: The p.L127V variant (also known as c.379C>G), located in coding exon 3 of the DICER1 gene, results from a C to G substitution at nucleotide position 379. The leucine at codon 127 is replaced by valine, an amino acid with highly similar properties. This amino acid position is well conserved in available vertebrate species. In addition, this alteration is predicted to be tolerated by in silico analysis. Since supporting evidence is limited at this time, the clinical significance of this alteration remains unclear.